The following is an entry in ClinVar:

ClinVar aggregate classification (germline): Likely benign (1 of 4 stars; one submission).

gnomAD v4.1: 1,259 of 1,530,332 alleles (0.082%); highest among the groups gnomAD compares: African/African-American, 1.6%; 10 homozygotes.

Submission:

Mayo Clinic Laboratories, Mayo Clinic
Classification: Likely benign. Last evaluated: 2025-10-06. Review status: criteria provided, single submitter. Criteria: ACMG Guidelines, 2015. Collection method: clinical testing. Allele origin: germline. Observed: 3 variant alleles.
Comment: BS1, BS2, BP4, BP7

NM_014324.6(AMACR):c.247+26C>T

Genes: AMACR (alpha-methylacyl-CoA racemase; minus strand), C1QTNF3-AMACR (C1QTNF3-AMACR readthrough (NMD candidate); minus strand). Cytogenetic location: 5p13.2.
Variant type: single nucleotide variant.
Coding change: c.247+26C>T on transcript NM_014324.6 (MANE Select); 26 bases into the intron after coding-DNA position 247, C replaced by T.
Molecular consequence: intron variant.
Genome position (GRCh38, 1-based): chr5:34,007,747, G>A on the plus strand (C>T on the coding strand, the complement: AMACR is on the minus strand). VCF-style: chr5-34007747-G-A. GRCh37 (hg19) VCF-style: chr5-34007852-G-A.
Other names: p.?; c.247+26C>T (NM_203382.3, NM_001167595.2).
Identifiers: ClinVar variation 4684830 (VCV004684830.1).